The following is an entry in ClinVar:

ClinVar aggregate classification (germline): Uncertain significance (1 of 4 stars; one submission).

Submission:

GeneDx
Classification: Uncertain significance. Last evaluated: 2024-07-03. Review status: criteria provided, single submitter. Criteria: GeneDx Variant Classification Process June 2021. Collection method: clinical testing. Allele origin: germline. Affected: yes.
Comment: Not observed at significant frequency in large population cohorts (gnomAD); In silico analysis indicates that this missense variant does not alter protein structure/function; Has not been previously published as pathogenic or benign to our knowledge

NM_018896.5(CACNA1G):c.6269G>C (p.Ser2090Thr)

Gene: CACNA1G (calcium voltage-gated channel subunit alpha1 G; plus strand). Cytogenetic location: 17q21.33.
Variant type: single nucleotide variant.
Coding change: c.6269G>C on transcript NM_018896.5 (MANE Select); coding-DNA position 6269, G replaced by C.
Protein change: p.Ser2090Thr; replaces serine 2090 with threonine.
Molecular consequence: missense variant. On other transcripts: non-coding transcript variant (5).
Genome position (GRCh38, 1-based): chr17:50,624,399, G>C. VCF-style: chr17-50624399-G-C. GRCh37 (hg19) VCF-style: chr17-48701760-G-C.
Other names: c.6080G>C, p.Ser2027Thr (NM_001256324.2); c.6011G>C, p.Ser2004Thr (NM_001256325.2); c.5999G>C, p.Ser2000Thr (NM_001256326.2); c.5969G>C, p.Ser1990Thr (NM_001256327.2); c.5915G>C, p.Ser1972Thr (NM_001256328.2); c.5888G>C, p.Ser1963Thr (NM_001256329.2, NM_198376.3, NM_198387.3); c.5855G>C, p.Ser1952Thr (NM_001256330.2); c.5834G>C, p.Ser1945Thr (NM_001256331.2); and 15 more; short protein forms S1974T, S1979T, S2079T, S2090T, S1952T, S1956T, S1970T, S2056T.
Identifiers: ClinVar variation 3393602 (VCV003393602.1).